The following is an entry in ClinVar:

NM_000245.4(MET):c.2102+5T>A

Gene: MET (MET proto-oncogene, receptor tyrosine kinase; plus strand). Cytogenetic location: 7q31.2.
Variant type: single nucleotide variant.
Coding change: c.2102+5T>A on transcript NM_000245.4 (MANE Select); 5 bases into the intron after coding-DNA position 2102, T replaced by A.
Molecular consequence: intron variant.
Genome position (GRCh38, 1-based): chr7:116,757,779, T>A. VCF-style: chr7-116757779-T-A. GRCh37 (hg19) VCF-style: chr7-116397833-T-A.
Other names: c.2102+5T>A (NM_001127500.3, NM_001324401.3, NM_001127500.1); c.812+5T>A (NM_001324402.2).
Identifiers: ClinVar variation 1510744 (VCV001510744.7), dbSNP rs1794247110, ClinGen allele CA2573141504.

ClinVar aggregate classification (germline): Uncertain significance. Review status: criteria provided, multiple submitters, no conflicts (2 of 4 stars). 2 submissions from 2 submitters: Uncertain significance (2). Last evaluated 2022-12-09.

Conditions:
Renal cell carcinoma. Identifiers: Orphanet 217071, MedGen C0007134, MeSH D002292, MONDO:0005086, HP:0005584.
Hereditary cancer-predisposing syndrome. Also called: Hereditary neoplastic syndrome; Neoplastic Syndromes, Hereditary; Tumor predisposition; Hereditary Cancer Syndrome. Identifiers: Orphanet 140162, MedGen C0027672, MeSH D009386, MONDO:0015356.

Submissions (2):

Ambry Genetics
Classification: Uncertain significance for Hereditary cancer-predisposing syndrome. Last evaluated: 2022-12-09. Review status: criteria provided, single submitter. Criteria: Ambry Variant Classification Scheme 2023. Collection method: clinical testing. Allele origin: germline.
Comment: The c.2102+5T>A intronic variant results from a T to A substitution 5 nucleotides after coding exon 7 in the MET gene. This nucleotide position is highly conserved in available vertebrate species. In silico splice site analysis for this alteration is inconclusive. Since supporting evidence is limited at this time, the clinical significance of this alteration remains unclear.

Labcorp Genetics (formerly Invitae), Labcorp
Classification: Uncertain significance for Renal cell carcinoma. Last evaluated: 2021-08-06. Review status: criteria provided, single submitter. Criteria: Invitae Variant Classification Sherloc (09022015). Collection method: clinical testing. Allele origin: germline.
Comment: This sequence change falls in intron 8 of the MET gene. It does not directly change the encoded amino acid sequence of the MET protein. It affects a nucleotide within the consensus splice site of the intron. This variant is not present in population databases (ExAC no frequency). This variant has not been reported in the literature in individuals affected with MET-related conditions. Variants that disrupts the consensus splice site are a relatively common cause of aberrant splicing (PMID: 17576681, 9536098). Algorithms developed to predict the effect of sequence changes on RNA splicing suggest that this variant is not likely to affect RNA splicing. In summary, the available evidence is currently insufficient to determine the role of this variant in disease. Therefore, it has been classified as a Variant of Uncertain Significance.

Literature cited by the submitters: PubMed 17576681 (cited by Labcorp Genetics (formerly Invitae), Labcorp); PubMed 9536098 (cited by Labcorp Genetics (formerly Invitae), Labcorp).